The following is an entry in ClinVar:

NM_000059.4(BRCA2):c.7033C>A (p.Gln2345Lys)

Gene: BRCA2 (BRCA2 DNA repair associated; plus strand). Cytogenetic location: 13q13.1.
Variant type: single nucleotide variant.
Coding change: c.7033C>A on transcript NM_000059.4 (MANE Select); coding-DNA position 7033, C replaced by A.
Protein change: p.Gln2345Lys; replaces glutamine 2345 with lysine.
Molecular consequence: missense variant.
Genome position (GRCh38, 1-based): chr13:32,354,886, C>A. VCF-style: chr13-32354886-C-A. GRCh37 (hg19) VCF-style: chr13-32929023-C-A.
Other names: c.6937C>A, p.Gln2313Lys (NM_001406719.1); c.7033C>A, p.Gln2345Lys (NM_001406720.1); c.2101C>A, p.Gln701Lys (NM_001406721.1); c.616C>A, p.Gln206Lys (NM_001406722.1); short protein forms Q2313K, Q701K, Q206K, Q2345K.
Identifiers: ClinVar variation 1756801 (VCV001756801.7), dbSNP rs886040685, ClinGen allele CA387738114.

ClinVar aggregate classification (germline): Uncertain significance. Review status: criteria provided, multiple submitters, no conflicts (2 of 4 stars). 4 submissions from 4 submitters: Uncertain significance (4). Last evaluated 2025-07-30.

Conditions:
Hereditary breast ovarian cancer syndrome. Also called: Hereditary breast and ovarian cancer syndrome (HBOC); Hereditary breast and ovarian cancer; BRCA1- and BRCA2-Associated Hereditary Breast and Ovarian Cancer; Hereditary breast and ovarian cancer syndrome; Breast and ovarian cancer; Hereditary breast and/or ovarian cancer syndrome. Identifiers: Orphanet 145, MedGen C0677776, MeSH D061325, MONDO:0003582. Disease mechanism: loss of function.
Hereditary cancer-predisposing syndrome. Also called: Neoplastic Syndromes, Hereditary; Tumor predisposition; Hereditary Cancer Syndrome; Hereditary neoplastic syndrome. Identifiers: Orphanet 140162, MedGen C0027672, MeSH D009386, MONDO:0015356.

Submissions (4):

Labcorp Genetics (formerly Invitae), Labcorp
Classification: Uncertain significance for Hereditary breast ovarian cancer syndrome. Last evaluated: 2025-07-30. Review status: criteria provided, single submitter. Criteria: Invitae Variant Classification Sherloc (09022015). Collection method: clinical testing. Allele origin: germline.
Comment: This sequence change replaces glutamine, which is neutral and polar, with lysine, which is basic and polar, at codon 2345 of the BRCA2 protein (p.Gln2345Lys). This variant is not present in population databases (gnomAD no frequency). This variant has not been reported in the literature in individuals affected with BRCA2-related conditions. ClinVar contains an entry for this variant (Variation ID: 1756801). Invitae Evidence Modeling of protein sequence and biophysical properties (such as structural, functional, and spatial information, amino acid conservation, physicochemical variation, residue mobility, and thermodynamic stability) indicates that this missense variant is not expected to disrupt BRCA2 protein function with a negative predictive value of 95%. In summary, the available evidence is currently insufficient to determine the role of this variant in disease. Therefore, it has been classified as a Variant of Uncertain Significance.

Color Diagnostics, LLC DBA Color Health
Classification: Uncertain significance for Hereditary cancer-predisposing syndrome. Last evaluated: 2025-07-15. Review status: criteria provided, single submitter. Criteria: ACMG Guidelines, 2015. Collection method: clinical testing. Allele origin: germline.
Comment: This missense variant replaces glutamine with lysine at codon 2345 of the BRCA2 protein. Computational prediction suggests that this variant may not impact protein structure and function. To our knowledge, functional studies have not been reported for this variant. Multifactorial analysis has reached a combined likelihood ratio (LR) of 5.316 based on reported LR for co-occurrence with a pathogenic variant and personal and family history for 1 carrier (PMID: 31853058). This variant has not been identified in the general population by the Genome Aggregation Database (gnomAD). The available evidence is insufficient to determine the role of this variant in disease conclusively. Therefore, this variant is classified as a Variant of Uncertain Significance.

Quest Diagnostics Nichols Institute San Juan Capistrano
Classification: Uncertain significance. Last evaluated: 2024-11-03. Review status: criteria provided, single submitter. Criteria: Quest Diagnostics criteria. Collection method: clinical testing. Allele origin: unknown.
Comment: The BRCA2 c.7033C>A (p.Gln2345Lys) variant has been reported in the published literature in a cohort of individuals undergoing multigene panel testing and personal and/or family history of cancer (PMID: 31853058 (2020)). This variant has not been reported in large, multi-ethnic general populations (Genome Aggregation Database). Analysis of this variant using bioinformatics tools for the prediction of the effect of amino acid changes on protein structure and function yielded predictions that this variant is benign. Based on the available information, we are unable to determine the clinical significance of this variant.

Ambry Genetics
Classification: Uncertain significance for Hereditary cancer-predisposing syndrome. Last evaluated: 2015-12-03. Review status: criteria provided, single submitter. Criteria: Ambry Variant Classification Scheme 2023. Collection method: clinical testing. Allele origin: germline.
Comment: The p.Q2345K variant (also known as c.7033C>A), located in coding exon 13 of the BRCA2 gene, results from a C to A substitution at nucleotide position 7033. The glutamine at codon 2345 is replaced by lysine, an amino acid with similar properties. This amino acid position is not well conserved in available vertebrate species. In addition, the in silico prediction for this alteration is inconclusive. Since supporting evidence is limited at this time, the clinical significance of p.Q2345K remains unclear.

Literature cited by the submitters: PubMed 31853058 (cited by Color Diagnostics, LLC DBA Color Health and Quest Diagnostics Nichols Institute San Juan Capistrano).